The following is an entry in ClinVar:

NM_000535.7(PMS2):c.467_468del (p.Thr156fs)

Gene: PMS2 (PMS1 homolog 2, mismatch repair system component; minus strand). Cytogenetic location: 7p22.1.
Variant type: Microsatellite.
Coding change: c.467_468del on transcript NM_000535.7 (MANE Select); coding-DNA positions 467 to 468, 2 bases deleted (CA; older notation c.467_468delCA).
Protein change: p.Thr156fs; shifts the reading frame from threonine 156.
Molecular consequence: frameshift variant. On other transcripts: non-coding transcript variant (1), intron variant (1), 5 prime UTR variant (2).
Genome position (GRCh38, 1-based): chr7:6,002,522-6,002,523, TG deleted on the plus strand (CA on the coding strand, the reverse complement: PMS2 is on the minus strand); deleting any 2 consecutive bases within chr7:6,002,522-6,002,525 gives the same sequence; the c. name uses the placement nearest the transcript's 3' end. VCF-style (leftmost placement, unchanged base first): chr7-6002521-CTG-C. GRCh37 (hg19) VCF-style: chr7-6042152-CTG-C.
Other names: c.467_468del, p.Thr156fs (NM_001406871.1, NM_001406872.1, NM_001406873.1 and 8 more transcripts); c.158_159del, p.Thr53fs (NM_001406875.1, NM_001406877.1, NM_001406878.1 and 6 more transcripts); c.149_150del, p.Thr50fs (NM_001406876.1, NM_001322007.2, NM_001322008.2 and 4 more transcripts); c.62_63del, p.Thr21fs (NM_001406909.1, NM_001406910.1, NM_001406911.1 and 24 more transcripts); c.250+1449_250+1450del (NM_001406885.1); c.60_61CA[1], p.Thr21Serfs (NM_001018040.1); c.-420CA[1] (NM_001322011.2, NM_001322012.2); c.653_654del, p.Thr218fs (NM_001406866.1); and 1 more; short protein forms T156fs, T164fs, T218fs, T21fs, T50fs, T53fs.
Identifiers: ClinVar variation 2674253 (VCV002674253.3), dbSNP rs2536440492, ClinGen allele CA2695198422.

ClinVar aggregate classification (germline): Pathogenic. Review status: criteria provided, multiple submitters, no conflicts (2 of 4 stars). 2 submissions from 2 submitters: Pathogenic (2). Last evaluated 2025-11-06.

Conditions:
Lynch syndrome 4 (LYNCH4). Also called: Colorectal cancer, hereditary nonpolyposis, type 4; Hereditary non-polyposis colorectal cancer, type 4. Identifiers: Orphanet 144, MedGen C1838333, MONDO:0013699, OMIM 614337. Disease mechanism: loss of function.

Submissions (2):

Dasa
Classification: Pathogenic. Last evaluated: 2025-11-06. Review status: criteria provided, single submitter. Criteria: DASA Assertion Criteria. Collection method: clinical testing. Allele origin: germline.
Comment: NM_000535.7(PMS2):c.467_468del (p.Thr156Serfs*15) is a frameshift variant in PMS2 predicted to alter the reading frame and introduce a premature termination codon and is predicted to result in an absent or altered protein product. Loss of function is an established disease mechanism for PMS2 (PMID: 18602922; PMID: 16619239). Also, this variant is absent from population databases. Based on the currently available evidence, this variant is classified as pathogenic.

Myriad Genetics, Inc.
Classification: Pathogenic for Lynch syndrome 4. Last evaluated: 2023-09-18. Review status: criteria provided, single submitter. Criteria: Myriad Autosomal Dominant, Autosomal Recessive and X-Linked Classification Criteria (2023). Collection method: clinical testing. Allele origin: unknown.
Comment: This variant is considered pathogenic. This variant creates a frameshift predicted to result in premature protein truncation.

Literature cited by the submitters: PubMed 18602922 (cited by Dasa); PubMed 16619239 (cited by Dasa).